The following is an entry in ClinVar:

NM_007294.4(BRCA1):c.2658_2659insA (p.Ala887fs)

Gene: BRCA1 (BRCA1 DNA repair associated; minus strand). Cytogenetic location: 17q21.31.
Variant type: Insertion.
Coding change: c.2658_2659insA on transcript NM_007294.4 (MANE Select); coding-DNA positions 2658 to 2659, A inserted.
Protein change: p.Ala887fs; shifts the reading frame from alanine 887.
Molecular consequence: frameshift variant. On other transcripts: intron variant (137).
Genome position: GRCh38 VCF-style: chr17-43092872-C-CT. GRCh37 (hg19) VCF-style: chr17-41244889-C-CT.
Other names: 2777insA; c.2445_2446insA, p.Ala816fs (NM_001407571.1, NM_001407853.1, NM_001407894.1 and 9 more transcripts); c.2658_2659insA, p.Ala887fs (NM_001407581.1, NM_001407582.1, NM_001407602.1 and 30 more transcripts); c.2655_2656insA, p.Ala886fs (NM_001407610.1, NM_001407611.1, NM_001407612.1 and 22 more transcripts); c.2649_2650insA, p.Ala884fs (NM_001407646.1, NM_001407647.1); c.2535_2536insA, p.Ala846fs (NM_001407648.1, NM_001407664.1, NM_001407665.1 and 19 more transcripts); c.2532_2533insA, p.Ala845fs (NM_001407649.1, NM_001407670.1, NM_001407671.1 and 11 more transcripts); c.2580_2581insA, p.Ala861fs (NM_001407653.1, NM_001407654.1, NM_001407655.1 and 4 more transcripts); and 42 more; short protein forms A840fs, A887fs, A591fs, A776fs, A819fs, A839fs, A861fs, A775fs.
Identifiers: ClinVar variation 125579 (VCV000125579.4), dbSNP rs80357541, ClinGen allele CA001740.
Genomic context (GRCh38, chr17:43,092,872, plus strand): 5'-CCTTTTGTTCACATTCAAAAGTGACTTTTGGACTTTGTTTCTTTAAGGACCCAGAGTGGG[C>CT]AGAGAATGTTGCACATTCCTCTTCTGCATTTCCTGGATTTGAAAACGGAGCAAATGACTG-3'

ClinVar aggregate classification (germline): Pathogenic. Review status: reviewed by expert panel (3 of 4 stars). 3 submissions from 3 submitters: Pathogenic (1). 2 of the submissions do not count toward it. Last evaluated 2016-09-08.

Conditions:
Hereditary breast ovarian cancer syndrome. Also called: Hereditary breast and/or ovarian cancer syndrome; Breast and ovarian cancer; Hereditary breast and ovarian cancer syndrome; Hereditary breast and ovarian cancer; Hereditary breast and ovarian cancer syndrome (HBOC); BRCA1- and BRCA2-Associated Hereditary Breast and Ovarian Cancer. Identifiers: Orphanet 145, MedGen C0677776, MeSH D061325, MONDO:0003582. Disease mechanism: loss of function.
Breast-ovarian cancer, familial, susceptibility to, 1 (BROVCA1). Also called: BRCA1 Hereditary Breast and Ovarian Cancer; OVARIAN CANCER, SUSCEPTIBILITY TO. Identifiers: Orphanet 145, MedGen C2676676, MONDO:0011450, OMIM 604370. Disease mechanism: loss of function.

Submissions (3):

Evidence-based Network for the Interpretation of Germline Mutant Alleles (ENIGMA)
Classification: Pathogenic for Breast-ovarian cancer, familial, susceptibility to, 1. Last evaluated: 2016-09-08. Review status: reviewed by expert panel. Criteria: ENIGMA BRCA1/2 Classification Criteria (2015). Collection method: curation. Allele origin: germline.
Comment: Variant allele predicted to encode a truncated non-functional protein.

Research Molecular Genetics Laboratory, Women's College Hospital, University of Toronto
Classification: Pathogenic for Hereditary breast ovarian cancer syndrome. Last evaluated: 2014-01-31. Review status: no assertion criteria provided. Collection method: research. Allele origin: germline. Affected: yes. Study: The Canadian Open Genetics Repository (COGR). Not counted in ClinVar's aggregate classification.

Breast Cancer Information Core (BIC) (BRCA1)
Classification: Pathogenic for Breast-ovarian cancer, familial 1. Last evaluated: 2002-05-29. Review status: no assertion criteria provided. Collection method: clinical testing. Allele origin: germline. Affected: yes. Observed: 1 variant allele. Not counted in ClinVar's aggregate classification.